The following is an entry in ClinVar:

ClinVar aggregate classification (germline): Likely benign. Review status: criteria provided, single submitter (1 of 4 stars). 2 submissions from 2 submitters: Likely benign (1). 1 of the submissions does not count toward it. Last evaluated 2019-12-31.

Conditions:
RBL2-related disorder. Also called: RBL2-related condition.

Allele frequency attached by ClinVar (database versions not stated): 1000 Genomes Project 0.00140; 1000 Genomes Project 30x 0.00141; gnomAD exomes 0.00225 and 0.00383; ExAC 0.00239; gnomAD 0.00265 and 0.00269; TOPMed 0.00269; ESP Exome Variant Server 0.00392.
gnomAD v4.1: 5,905 of 1,608,278 alleles (0.37%); highest among the groups gnomAD compares: Non-Finnish European, 0.46%; 12 homozygotes.

Submissions (2):

Labcorp Genetics (formerly Invitae), Labcorp
Classification: Likely benign. Last evaluated: 2019-12-31. Review status: criteria provided, single submitter. Criteria: Invitae Variant Classification Sherloc (09022015). Collection method: clinical testing. Allele origin: germline.

PreventionGenetics, part of Exact Sciences
Classification: Likely benign for RBL2-related condition. Last evaluated: 2022-02-16. Review status: no assertion criteria provided. Collection method: clinical testing. Allele origin: germline. Not counted in ClinVar's aggregate classification.
Comment: This variant is classified as likely benign based on ACMG/AMP sequence variant interpretation guidelines (Richards et al. 2015 PMID: 25741868, with internal and published modifications).

NM_005611.4(RBL2):c.1375A>G (p.Ile459Val)

Gene: RBL2 (RB transcriptional corepressor like 2; plus strand). Cytogenetic location: 16q12.2.
Variant type: single nucleotide variant.
Coding change: c.1375A>G on transcript NM_005611.4 (MANE Select); coding-DNA position 1375, A replaced by G.
Protein change: p.Ile459Val; replaces isoleucine 459 with valine.
Molecular consequence: missense variant.
Genome position (GRCh38, 1-based): chr16:53,461,769, A>G. VCF-style: chr16-53461769-A-G. GRCh37 (hg19) VCF-style: chr16-53495681-A-G.
Other names: c.1375A>G, p.Ile459Val (NM_001323608.2, NM_001323609.2, NM_001323610.2); c.1153A>G, p.Ile385Val (NM_001323611.1); short protein forms I459V, I385V.
Identifiers: ClinVar variation 718815 (VCV000718815.6), dbSNP rs61747628, ClinGen allele CA8056298.